The following is an entry in ClinVar:

ClinVar aggregate classification (germline): Uncertain significance (1 of 4 stars; one submission).

Conditions:
Cornelia de Lange syndrome 1 (CDLS1). Also called: TYPUS DEGENERATIVUS AMSTELODAMENSIS; Brachmann de Lange syndrome; NIPBL-Related Cornelia de Lange Syndrome. Identifiers: Orphanet 199, MedGen C4551851, MONDO:0007387, OMIM 122470.

Allele frequency attached by ClinVar (database versions not stated): gnomAD exomes 0.00001; ExAC 0.00002.
gnomAD v4.1: 9 of 1,614,140 alleles (0.00056%); highest among the groups gnomAD compares: Non-Finnish European, 0.00076%; no homozygotes.

Submission:

Labcorp Genetics (formerly Invitae), Labcorp
Classification: Uncertain significance for Cornelia de Lange syndrome 1. Last evaluated: 2022-11-15. Review status: criteria provided, single submitter. Criteria: Invitae Variant Classification Sherloc (09022015). Collection method: clinical testing. Allele origin: germline.
Comment: In summary, the available evidence is currently insufficient to determine the role of this variant in disease. Therefore, it has been classified as a Variant of Uncertain Significance. Advanced modeling of protein sequence and biophysical properties (such as structural, functional, and spatial information, amino acid conservation, physicochemical variation, residue mobility, and thermodynamic stability) has been performed at Invitae for this missense variant, however the output from this modeling did not meet the statistical confidence thresholds required to predict the impact of this variant on NIPBL protein function. This variant has not been reported in the literature in individuals affected with NIPBL-related conditions. This variant is present in population databases (rs769223635, gnomAD 0.0009%). This sequence change replaces proline, which is neutral and non-polar, with leucine, which is neutral and non-polar, at codon 2500 of the NIPBL protein (p.Pro2500Leu).

NM_133433.4(NIPBL):c.7499C>T (p.Pro2500Leu)

Gene: NIPBL (NIPBL cohesin loading factor; plus strand). Cytogenetic location: 5p13.2.
Variant type: single nucleotide variant.
Coding change: c.7499C>T on transcript NM_133433.4 (MANE Select); coding-DNA position 7499, C replaced by T.
Protein change: p.Pro2500Leu; replaces proline 2500 with leucine.
Molecular consequence: missense variant.
Genome position (GRCh38, 1-based): chr5:37,058,979, C>T. VCF-style: chr5-37058979-C-T. GRCh37 (hg19) VCF-style: chr5-37059081-C-T.
Other names: c.7499C>T, p.Pro2500Leu (NM_015384.5); short protein forms P2500L.
Identifiers: ClinVar variation 2898954 (VCV002898954.3), dbSNP rs769223635, ClinGen allele CA3237220.
Genomic context (GRCh38, chr5:37,058,979, plus strand): 5'-GAAAATCATCACCTAGTAAGGAAAATGAGTCAAGCGACAGTGAAGAAGAAGTTTCCAGGC[C>T]TCGGAAGTCACGGAAACGTGTAGATTCAGATTCAGATTCAGATTCAGAAGACGATATAAA-3'
Protein context (NP_597677.2, residues 2490-2510): SSDSEEEVSR[Pro2500Leu]RKSRKRVDSD